The following is an entry in ClinVar:

ClinVar aggregate classification (germline): Uncertain significance (1 of 4 stars; one submission).

Conditions:
Birt-Hogg-Dube syndrome. Also called: Birt Hogg Dubé syndrome. Identifiers: Orphanet 122, MedGen C0346010, MONDO:0800444.

Submission:

Labcorp Genetics (formerly Invitae), Labcorp
Classification: Uncertain significance for Birt-Hogg-Dube syndrome. Last evaluated: 2025-11-16. Review status: criteria provided, single submitter. Criteria: Invitae Variant Classification Sherloc (09022015). Collection method: clinical testing. Allele origin: germline.
Comment: This sequence change replaces glycine, which is neutral and non-polar, with aspartic acid, which is acidic and polar, at codon 540 of the FLCN protein (p.Gly540Asp). This variant is not present in population databases (gnomAD no frequency). This variant has not been reported in the literature in individuals affected with FLCN-related conditions. ClinVar contains an entry for this variant (Variation ID: 530000). Invitae Evidence Modeling of protein sequence and biophysical properties (such as structural, functional, and spatial information, amino acid conservation, physicochemical variation, residue mobility, and thermodynamic stability) indicates that this missense variant is not expected to disrupt FLCN protein function with a negative predictive value of 80%. In summary, the available evidence is currently insufficient to determine the role of this variant in disease. Therefore, it has been classified as a Variant of Uncertain Significance.

NM_144997.7(FLCN):c.1619G>A (p.Gly540Asp)

Gene: FLCN (folliculin; minus strand). Cytogenetic location: 17p11.2.
Variant type: single nucleotide variant.
Coding change: c.1619G>A on transcript NM_144997.7 (MANE Select); coding-DNA position 1619, G replaced by A.
Protein change: p.Gly540Asp; replaces glycine 540 with aspartic acid.
Molecular consequence: missense variant.
Genome position (GRCh38, 1-based): chr17:17,213,776, C>T on the plus strand (G>A on the coding strand, the complement: FLCN is on the minus strand). VCF-style: chr17-17213776-C-T. GRCh37 (hg19) VCF-style: chr17-17117090-C-T.
Other names: c.1619G>A (LRG_325t1); c.1673G>A, p.Gly558Asp (NM_001353229.2); c.1619G>A, p.Gly540Asp (NM_001353230.2, NM_001353231.2); short protein forms G540D, G558D.
Identifiers: ClinVar variation 530000 (VCV000530000.6), dbSNP rs1402955238, ClinGen allele CA398530002.